The following is an entry in ClinVar:

ClinVar aggregate classification (germline): Benign (1 of 4 stars; one submission).

Allele frequency attached by ClinVar (database versions not stated): TOPMed 0.31950; 1000 Genomes Project 30x 0.47096; gnomAD 0.29009; 1000 Genomes Project 0.47744.
gnomAD v4.1: 45,990 of 151,418 alleles (30%); highest among the groups gnomAD compares: East Asian, 95%; 8,482 homozygotes.

Submission:

GeneDx
Classification: Benign. Last evaluated: 2018-06-14. Review status: criteria provided, single submitter. Criteria: GeneDx Variant Classification (06012015). Collection method: clinical testing. Allele origin: germline. Affected: yes.
Comment: This variant is considered likely benign or benign based on one or more of the following criteria: it is a conservative change, it occurs at a poorly conserved position in the protein, it is predicted to be benign by multiple in silico algorithms, and/or has population frequency not consistent with disease.

NM_133259.4(LRPPRC):c.2897-262G>A

Gene: LRPPRC (leucine rich pentatricopeptide repeat containing; minus strand). Cytogenetic location: 2p21.
Variant type: single nucleotide variant.
Coding change: c.2897-262G>A on transcript NM_133259.4 (MANE Select); 262 bases into the intron before coding-DNA position 2897, G replaced by A.
Molecular consequence: intron variant.
Genome position (GRCh38, 1-based): chr2:43,918,660, C>T on the plus strand (G>A on the coding strand, the complement: LRPPRC is on the minus strand). VCF-style: chr2-43918660-C-T. GRCh37 (hg19) VCF-style: chr2-44145799-C-T.
Identifiers: ClinVar variation 671279 (VCV000671279.1), dbSNP rs4953036, ClinGen allele CA15158008.
Genomic context (GRCh38, chr2:43,918,660, plus strand): 5'-CCTACCTATTAAAAAGCAATAACAAGAAGCCCCCATCACACTTTATTACACACTTCCAAT[C>T]ATGTTGATAAGAAGTTTGTCTTTTTAATGTTACTGAGAAAGTGCCTACTGCCGAAATCAA-3'